The following is an entry in ClinVar:

NM_001374353.1(GLI2):c.1935G>A (p.Ser645=)

Gene: GLI2 (GLI family zinc finger 2; plus strand). Cytogenetic location: 2q14.2.
Variant type: single nucleotide variant.
Coding change: c.1935G>A on transcript NM_001374353.1 (MANE Select); coding-DNA position 1935, G replaced by A.
Protein change: p.Ser645=; no amino-acid change (serine 645 retained).
Molecular consequence: synonymous variant.
Genome position (GRCh38, 1-based): chr2:120,986,307, G>A. VCF-style: chr2-120986307-G-A. GRCh37 (hg19) VCF-style: chr2-121743883-G-A.
Other names: c.1986G>A, p.Ser662= (NM_001371271.1, NM_005270.5); c.1560G>A, p.Ser520= (NM_001374354.1).
Identifiers: ClinVar variation 194065 (VCV000194065.52), dbSNP rs114259687, ClinGen allele CA200947.

ClinVar aggregate classification (germline): Benign/Likely benign. Review status: criteria provided, multiple submitters, no conflicts (2 of 4 stars). 11 submissions from 11 submitters: Benign (6); Likely benign (2). 3 of the submissions do not count toward it. Last evaluated 2026-10-01.

Conditions:
GLI2-related disorder. Also called: GLI2-related condition; GLI2-related disorders.
Holoprosencephaly 9 (HPE9). Also called: HOLOPROSENCEPHALY WITH MICROPHTHALMIA AND FIRST BRANCHIAL ARCH ANOMALIES; PITUITARY ANOMALIES WITH HOLOPROSENCEPHALY-LIKE FEATURES. Identifiers: Orphanet 2162, MedGen C1835819, MONDO:0012563, OMIM 610829.
Postaxial polydactyly-anterior pituitary anomalies-facial dysmorphism syndrome. Also called: Culler-Jones syndrome. Identifiers: Orphanet 420584, MedGen C4014479, MONDO:0014369, OMIM 615849.

Allele frequency attached by ClinVar (database versions not stated): gnomAD 0.00177 and 0.00222; 1000 Genomes Project 30x 0.00187; 1000 Genomes Project 0.00200; ESP Exome Variant Server 0.00215; TOPMed 0.00250; gnomAD exomes 0.00274 and 0.00348; ExAC 0.00348.
gnomAD v4.1: 4,407 of 1,613,374 alleles (0.27%); highest among the groups gnomAD compares: Middle Eastern, 1.6%; 24 homozygotes.

Submissions (11):

CeGaT Center for Human Genetics Tuebingen
Classification: Benign. Last evaluated: 2026-10-01. Review status: criteria provided, single submitter. Criteria: CeGaT Center For Human Genetics Tuebingen Variant Classification Criteria Version 2. Collection method: clinical testing. Allele origin: germline. Affected: yes. Observed: 6 variant alleles.
Comment: GLI2: BP4, BP7, BS1, BS2

Labcorp Genetics (formerly Invitae), Labcorp
Classification: Benign for Postaxial polydactyly-anterior pituitary anomalies-facial dysmorphism syndrome; Holoprosencephaly 9. Last evaluated: 2026-01-26. Review status: criteria provided, single submitter. Criteria: Invitae Variant Classification Sherloc (09022015). Collection method: clinical testing. Allele origin: germline.

Blueprint Genetics
Classification: Likely benign. Last evaluated: 2024-11-21. Review status: criteria provided, single submitter. Criteria: ACMG Guidelines, 2015. Collection method: clinical testing. Allele origin: germline.

Fulgent Genetics
Classification: Benign for Holoprosencephaly 9; Postaxial polydactyly-anterior pituitary anomalies-facial dysmorphism syndrome. Last evaluated: 2022-02-16. Review status: criteria provided, single submitter. Criteria: ACMG Guidelines, 2015. Collection method: clinical testing. Allele origin: unknown.

ARUP Laboratories, Molecular Genetics and Genomics, ARUP Laboratories
Classification: Benign. Last evaluated: 2021-11-14. Review status: criteria provided, single submitter. Criteria: ARUP Molecular Germline Variant Investigation Process 2021. Collection method: clinical testing. Allele origin: germline.

Illumina Laboratory Services, Illumina
Classification: Benign for Holoprosencephaly 9. Last evaluated: 2018-01-13. Review status: criteria provided, single submitter. Criteria: ICSL Variant Classification Criteria 13 December 2019. Collection method: clinical testing. Allele origin: germline.
Comment: This variant was observed in the ICSL laboratory as part of a predisposition screen in an ostensibly healthy population. It had not been previously curated by ICSL or reported in the Human Gene Mutation Database (HGMD: prior to June 1st, 2018), and was therefore a candidate for classification through an automated scoring system. Utilizing variant allele frequency, disease prevalence and penetrance estimates, and inheritance mode, an automated score was calculated to assess if this variant is too frequent to cause the disease. Based on the score and internal cut-off values, a variant classified as benign is not then subjected to further curation. The score for this variant resulted in a classification of benign for this disease.

Eurofins Ntd Llc (ga)
Classification: Benign. Last evaluated: 2015-04-01. Review status: criteria provided, single submitter. Criteria: EGL Classification Definitions 2015. Collection method: clinical testing. Allele origin: germline. Observed: 1 variant allele, 1 heterozygote.

Breakthrough Genomics
Classification: Likely benign. Review status: criteria provided, single submitter. Criteria: ACMG Guidelines, 2015. Collection method: not provided. Allele origin: germline. Inheritance: Autosomal dominant inheritance. Affected: yes.

PreventionGenetics, part of Exact Sciences
Classification: Benign for GLI2-related condition. Last evaluated: 2019-06-11. Review status: no assertion criteria provided. Collection method: clinical testing. Allele origin: germline. Not counted in ClinVar's aggregate classification.
Comment: This variant is classified as benign based on ACMG/AMP sequence variant interpretation guidelines (Richards et al. 2015 PMID: 25741868, with internal and published modifications).

Clinical Genetics DNA and cytogenetics Diagnostics Lab, Erasmus MC, Erasmus Medical Center
Classification: Likely benign. Review status: no assertion criteria provided. Collection method: clinical testing. Allele origin: germline. Affected: yes. Study: VKGL Data-share Consensus. Not counted in ClinVar's aggregate classification.

Clinical Genetics, Academic Medical Center
Classification: Benign. Review status: no assertion criteria provided. Collection method: clinical testing. Allele origin: germline. Affected: yes. Study: VKGL Data-share Consensus. Not counted in ClinVar's aggregate classification.